The following is an entry in ClinVar:

NM_001292063.2(OTOG):c.6292+54G>A

Gene: OTOG (otogelin; plus strand). Cytogenetic location: 11p15.1.
Variant type: single nucleotide variant.
Coding change: c.6292+54G>A on transcript NM_001292063.2 (MANE Select); 54 bases into the intron after coding-DNA position 6292, G replaced by A.
Molecular consequence: intron variant.
Genome position (GRCh38, 1-based): chr11:17,612,384, G>A. VCF-style: chr11-17612384-G-A. GRCh37 (hg19) VCF-style: chr11-17633931-G-A.
Other names: c.6328+54G>A (NM_001277269.2).
Identifiers: ClinVar variation 682945 (VCV000682945.2), dbSNP rs76583012, ClinGen allele CA13478916.

ClinVar aggregate classification (germline): Benign. Review status: criteria provided, multiple submitters, no conflicts (2 of 4 stars). 2 submissions from 2 submitters: Benign (2). Last evaluated 2018-06-16.

Allele frequency attached by ClinVar (database versions not stated): gnomAD exomes 0.03869; TOPMed 0.05223; gnomAD 0.05229 and 0.05266; 1000 Genomes Project 0.05232; 1000 Genomes Project 30x 0.05294.

Submissions (2):

GeneDx
Classification: Benign. Last evaluated: 2018-06-16. Review status: criteria provided, single submitter. Criteria: GeneDx Variant Classification (06012015). Collection method: clinical testing. Allele origin: germline. Affected: yes.
Comment: This variant is considered likely benign or benign based on one or more of the following criteria: it is a conservative change, it occurs at a poorly conserved position in the protein, it is predicted to be benign by multiple in silico algorithms, and/or has population frequency not consistent with disease.

Breakthrough Genomics
Classification: Benign. Review status: criteria provided, single submitter. Criteria: ACMG Guidelines, 2015. Collection method: not provided. Allele origin: germline. Inheritance: Autosomal recessive inheritance. Affected: yes.